The following is an entry in ClinVar:

NM_001110556.2(FLNA):c.6023G>A (p.Gly2008Glu)

Gene: FLNA (filamin A; minus strand). Cytogenetic location: Xq28.
Variant type: single nucleotide variant.
Coding change: c.6023G>A on transcript NM_001110556.2 (MANE Select); coding-DNA position 6023, G replaced by A.
Protein change: p.Gly2008Glu; replaces glycine 2008 with glutamic acid.
Molecular consequence: missense variant.
Genome position (GRCh38, 1-based): chrX:154,353,204, C>T on the plus strand (G>A on the coding strand, the complement: FLNA is on the minus strand). VCF-style: chrX-154353204-C-T. GRCh37 (hg19) VCF-style: chrX-153581572-C-T.
Other names: c.5999G>A, p.Gly2000Glu (NM_001456.4); short protein forms G2008E, G2000E.
Identifiers: ClinVar variation 2953344 (VCV002953344.3), dbSNP rs2522723540, ClinGen allele CA415196768.
Genomic context (GRCh38, chrX:154,353,204, plus strand): 5'-TGGCCATTTTTCTTCACATGCACCAGGTGCTCCCCCGTCTCCTTGGGCACGAATGAAATC[C>T]CTGGACACAGGGCATGGCTGTCAGTCAGGGAGGGCATGGCTCCCCACAGGCTGCCTCCTT-3'
Protein context (NP_001104026.1, residues 1998-2018): LLKRLRNGHV[Gly2008Glu]ISFVPKETGE

ClinVar aggregate classification (germline): Uncertain significance (1 of 4 stars; one submission).

Conditions:
Heterotopia, periventricular, X-linked dominant (PVNH1). Also called: PERIVENTRICULAR NODULAR HETEROTOPIA 1; X-linked periventricular heterotopia; PERIVENTRICULAR NODULAR HETEROTOPIA 4; HETEROTOPIA, PERIVENTRICULAR, 1. Identifiers: Orphanet 2149, Orphanet 82004, MedGen C1848213, MONDO:0010233, OMIM 300049.
Melnick-Needles syndrome (MNS). Also called: Melnick-Needles Syndrome (FLNA-MNS); MELNICK-NEEDLES OSTEODYSPLASTY; OSTEODYSPLASTY OF MELNICK AND NEEDLES. Identifiers: Orphanet 2484, MedGen C0025237, MONDO:0010650, OMIM 309350.
Frontometaphyseal dysplasia (FMD1). Identifiers: Orphanet 1826, MedGen C0265293, MONDO:0015942.
Oto-palato-digital syndrome, type II (OPD2). Also called: Otopalatodigital Syndrome Type 2 (FLNA-OPD2); FACIOPALATOOSSEOUS SYNDROME; OPD II SYNDROME; Otopalatodigital Syndrome, Type II. Identifiers: Orphanet 669, Orphanet 90652, MedGen C1844696, MONDO:0010571, OMIM 304120.

Submission:

Labcorp Genetics (formerly Invitae), Labcorp
Classification: Uncertain significance for Oto-palato-digital syndrome, type II; Heterotopia, periventricular, X-linked dominant; Frontometaphyseal dysplasia; Melnick-Needles syndrome. Last evaluated: 2023-10-28. Review status: criteria provided, single submitter. Criteria: Invitae Variant Classification Sherloc (09022015). Collection method: clinical testing. Allele origin: germline.
Comment: This sequence change replaces glycine, which is neutral and non-polar, with glutamic acid, which is acidic and polar, at codon 2000 of the FLNA protein (p.Gly2000Glu). This variant is not present in population databases (gnomAD no frequency). This variant has not been reported in the literature in individuals affected with FLNA-related conditions. An algorithm developed to predict the effect of missense changes on protein structure and function (PolyPhen-2) suggests that this variant is likely to be disruptive. In summary, the available evidence is currently insufficient to determine the role of this variant in disease. Therefore, it has been classified as a Variant of Uncertain Significance.